The following is an entry in ClinVar:

ClinVar aggregate classification (germline): Uncertain significance (1 of 4 stars; one submission).

Conditions:
Vici syndrome (VICIS). Identifiers: Orphanet 1493, MedGen C1855772, MONDO:0009452, OMIM 242840.

Allele frequency attached by ClinVar (database versions not stated): gnomAD 0.00014 and 0.00016; 1000 Genomes Project 30x 0.00016; 1000 Genomes Project 0.00020; TOPMed 0.00021; ESP Exome Variant Server 0.00025.
gnomAD v4.1: 37 of 1,613,582 alleles (0.0023%); highest among the groups gnomAD compares: African/African-American, 0.045%; no homozygotes.

Submission:

Labcorp Genetics (formerly Invitae), Labcorp
Classification: Uncertain significance for Vici syndrome. Last evaluated: 2022-08-09. Review status: criteria provided, single submitter. Criteria: Invitae Variant Classification Sherloc (09022015). Collection method: clinical testing. Allele origin: germline.
Comment: This sequence change replaces proline, which is neutral and non-polar, with leucine, which is neutral and non-polar, at codon 165 of the EPG5 protein (p.Pro165Leu). This variant is present in population databases (rs201402291, gnomAD 0.05%). This variant has not been reported in the literature in individuals affected with EPG5-related conditions. ClinVar contains an entry for this variant (Variation ID: 466253). Algorithms developed to predict the effect of missense changes on protein structure and function output the following: SIFT: "Tolerated"; PolyPhen-2: "Benign"; Align-GVGD: "Class C0". The leucine amino acid residue is found in multiple mammalian species, which suggests that this missense change does not adversely affect protein function. In summary, the available evidence is currently insufficient to determine the role of this variant in disease. Therefore, it has been classified as a Variant of Uncertain Significance.

NM_020964.3(EPG5):c.494C>T (p.Pro165Leu)

Gene: EPG5 (ectopic P-granules 5 autophagy tethering factor; minus strand). Cytogenetic location: 18q21.1.
Variant type: single nucleotide variant.
Coding change: c.494C>T on transcript NM_020964.3 (MANE Select); coding-DNA position 494, C replaced by T.
Protein change: p.Pro165Leu; replaces proline 165 with leucine.
Molecular consequence: missense variant.
Genome position (GRCh38, 1-based): chr18:45,954,908, G>A on the plus strand (C>T on the coding strand, the complement: EPG5 is on the minus strand). VCF-style: chr18-45954908-G-A. GRCh37 (hg19) VCF-style: chr18-43534874-G-A.
Other names: c.494C>T, p.Pro165Leu (LRG_1234t1); short protein forms P165L.
Identifiers: ClinVar variation 466253 (VCV000466253.9), dbSNP rs201402291, ClinGen allele CA8949935.